The following is an entry in ClinVar:

ClinVar aggregate classification (germline): Conflicting classifications of pathogenicity. Review status: criteria provided, conflicting classifications (1 of 4 stars). 2 submissions from 2 submitters: Uncertain significance (1); Likely benign (1). Last evaluated 2023-03-23.

Conditions:
Hereditary cancer-predisposing syndrome. Also called: Neoplastic Syndromes, Hereditary; Tumor predisposition; Hereditary Cancer Syndrome; Hereditary neoplastic syndrome. Identifiers: Orphanet 140162, MedGen C0027672, MeSH D009386, MONDO:0015356.

Submissions (2):

University of Washington Department of Laboratory Medicine, University of Washington
Classification: Likely benign for Hereditary cancer-predisposing syndrome. Last evaluated: 2023-03-23. Review status: criteria provided, single submitter. Criteria: Dines et al. (Genet Med. 2020). Collection method: curation. Allele origin: germline.
Comment: Missense variant in a coldspot region where missense variants are very unlikely to be pathogenic (PMID:31911673).

BRCA1 coldspot (exon 11 using historical exon numbering). Reclassification based on statistical prior probability

Color Diagnostics, LLC DBA Color Health
Classification: Uncertain significance for Hereditary cancer-predisposing syndrome. Last evaluated: 2019-04-30. Review status: criteria provided, single submitter. Criteria: ACMG Guidelines, 2015. Collection method: clinical testing. Allele origin: germline.

NM_007294.4(BRCA1):c.3355A>G (p.Thr1119Ala)

Genes: BRCA1 (BRCA1 DNA repair associated; minus strand), LOC126862571 (BRD4-independent group 4 enhancer GRCh37_chr17:41243136-41244335; plus strand). Cytogenetic location: 17q21.31.
Variant type: single nucleotide variant.
Coding change: c.3355A>G on transcript NM_007294.4 (MANE Select); coding-DNA position 3355, A replaced by G.
Protein change: p.Thr1119Ala; replaces threonine 1119 with alanine.
Molecular consequence: missense variant. On other transcripts: intron variant (137).
Genome position (GRCh38, 1-based): chr17:43,092,176, T>C on the plus strand (A>G on the coding strand, the complement: BRCA1 is on the minus strand). VCF-style: chr17-43092176-T-C. GRCh37 (hg19) VCF-style: chr17-41244193-T-C.
Other names: c.665-1144A>G (NM_001408437.1, NM_001408429.1, NM_001408436.1 and 12 more transcripts); c.578-1144A>G (NM_001408483.1, NM_001408481.1, NM_001408480.1 and 9 more transcripts); c.788-1144A>G (NM_001407979.1, NM_001407977.1, NM_001407980.1 and 17 more transcripts); c.647-1144A>G (NM_001408410.1, NM_001408458.1, NM_001408469.1 and 11 more transcripts); c.710-1144A>G (NM_001408415.1, NM_001408412.1, NM_001408409.1 and 2 more transcripts); c.3142A>G, p.Thr1048Ala (NM_001407571.1, NM_001407853.1, NM_001407894.1 and 9 more transcripts); c.3355A>G, p.Thr1119Ala (NM_001407581.1, NM_001407582.1, NM_001407583.1 and 30 more transcripts); c.3352A>G, p.Thr1118Ala (NM_001407587.1, NM_001407590.1, NM_001407591.1 and 22 more transcripts); and 41 more; short protein forms T1072A, T1119A, T1031A, T1051A, T1052A, T991A, T1008A, T1048A.
Identifiers: ClinVar variation 918360 (VCV000918360.5), dbSNP rs80356949, ClinGen allele CA10595266.